The following is an entry in ClinVar:

ClinVar aggregate classification (germline): Uncertain significance (1 of 4 stars; one submission).

Conditions:
Hereditary sensory and autonomic neuropathy type 6. Also called: HSAN VI; Neuropathy, hereditary sensory and autonomic, type VI. Identifiers: Orphanet 314381, MedGen C3539003, MONDO:0013839, OMIM 614653.
Epidermolysis bullosa simplex 3, localized or generalized intermediate, with BP230 deficiency (EBS3). Also called: Epidermolysis bullosa simplex, autosomal recessive 2; Epidermolysis bullosa simplex due to BP230 deficiency. Identifiers: Orphanet 412181, MedGen C3809470, MONDO:0014180, OMIM 615425.

Allele frequency attached by ClinVar (database versions not stated): gnomAD 0.00002; gnomAD exomes 0.00002; ExAC 0.00003; TOPMed 0.00003.
gnomAD v4.1: 41 of 1,612,408 alleles (0.0025%); highest among the groups gnomAD compares: South Asian, 0.0077%; no homozygotes.

Submission:

Labcorp Genetics (formerly Invitae), Labcorp
Classification: Uncertain significance for Epidermolysis bullosa simplex 3, localized or generalized intermediate, with BP230 deficiency; Hereditary sensory and autonomic neuropathy type 6. Last evaluated: 2022-02-10. Review status: criteria provided, single submitter. Criteria: Invitae Variant Classification Sherloc (09022015). Collection method: clinical testing. Allele origin: germline.
Comment: The DST gene has multiple clinically relevant transcripts. This variant occurs in alternate transcript NM_015548.4, and corresponds to NM_001723.5:c.*132830G>A in the primary transcript. This sequence change replaces arginine, which is basic and polar, with histidine, which is basic and polar, at codon 4510 of the DST protein (p.Arg4510His). This variant is present in population databases (rs768465129, gnomAD 0.01%). This variant has not been reported in the literature in individuals affected with DST-related conditions. Experimental studies and prediction algorithms are not available or were not evaluated, and the functional significance of this variant is currently unknown. In summary, the available evidence is currently insufficient to determine the role of this variant in disease. Therefore, it has been classified as a Variant of Uncertain Significance.

NM_001374736.1(DST):c.21398G>A (p.Arg7133His)

Gene: DST (dystonin; minus strand). Cytogenetic location: 6p12.1.
Variant type: single nucleotide variant.
Coding change: c.21398G>A on transcript NM_001374736.1 (MANE Select); coding-DNA position 21398, G replaced by A.
Protein change: p.Arg7133His; replaces arginine 7133 with histidine.
Molecular consequence: missense variant.
Genome position (GRCh38, 1-based): chr6:56,482,687, C>T on the plus strand (G>A on the coding strand, the complement: DST is on the minus strand). VCF-style: chr6-56482687-C-T. GRCh37 (hg19) VCF-style: chr6-56347485-C-T.
Other names: c.15041G>A, p.Arg5014His (NM_001144769.5); c.14627G>A, p.Arg4876His (NM_001144770.2); c.21398G>A, p.Arg7133His (NM_001374722.1); c.20438G>A, p.Arg6813His (NM_001374729.1); c.14180G>A, p.Arg4727His (NM_001374730.1); c.21425G>A, p.Arg7142His (NM_001374734.1); c.14507G>A, p.Arg4836His (NM_001386100.1, NM_183380.4); c.13529G>A, p.Arg4510His (NM_015548.5); short protein forms R7133H, R4510H, R5014H, R6813H, R4727H, R4836H, R4876H, R7142H.
Identifiers: ClinVar variation 1449445 (VCV001449445.3), dbSNP rs768465129, ClinGen allele CA3866523.
Genomic context (GRCh38, chr6:56,482,687, plus strand): 5'-GTTGAGGTTTCAATACTTTTCCCATTACACCCAGCTCTCATTTACATGGTTTTTACCTGA[C>T]GCAGGGCTGCTTCTAACCGTGTTTGCTTTGATATAGAAAGTGCACACACGGTCTCCCAGC-3'
Protein context (NP_001361665.1, residues 7123-7143): SKQTRLEAAL[Arg7133His]QAEEFHSVVH